The following is an entry in ClinVar:

ClinVar aggregate classification (germline): Uncertain significance (1 of 4 stars; one submission).

Conditions:
Cardiovascular phenotype. Identifiers: MedGen CN230736.

Submission:

Ambry Genetics
Classification: Uncertain significance for Cardiovascular phenotype. Last evaluated: 2026-03-24. Review status: criteria provided, single submitter. Criteria: Ambry Variant Classification Scheme 2023. Collection method: clinical testing. Allele origin: germline.
Comment: The c.1267C>T variant (also known as p.L423L), located in coding exon 11 of the PRDM5 gene, results from a C to T substitution at nucleotide position 1267. This nucleotide substitution does not change the amino acid at codon 423. This nucleotide position is highly conserved in available vertebrate species. In silico splice site analysis predicts that this alteration may weaken the native splice donor site. Based on the available evidence, the clinical significance of this variant remains unclear.

NM_018699.4(PRDM5):c.1267C>T (p.Leu423=)

Gene: PRDM5 (PR/SET domain 5; minus strand). Cytogenetic location: 4q27.
Variant type: single nucleotide variant.
Coding change: c.1267C>T on transcript NM_018699.4 (MANE Select); coding-DNA position 1267, C replaced by T.
Protein change: p.Leu423=; no amino-acid change (leucine 423 retained).
Molecular consequence: synonymous variant.
Genome position (GRCh38, 1-based): chr4:120,785,013, G>A on the plus strand (C>T on the coding strand, the complement: PRDM5 is on the minus strand). VCF-style: chr4-120785013-G-A. GRCh37 (hg19) VCF-style: chr4-121706168-G-A.
Other names: c.1174C>T, p.Leu392= (NM_001300823.2, NM_001300824.2, NM_001379106.1); c.1300C>T, p.Leu434= (NM_001379104.1).
Identifiers: ClinVar variation 4862480 (VCV004862480.1).